The following is an entry in ClinVar:

NM_001042492.3(NF1):c.449del (p.Phe150fs)

Gene: NF1 (neurofibromin 1; plus strand). Cytogenetic location: 17q11.2.
Variant type: Deletion.
Coding change: c.449del on transcript NM_001042492.3 (MANE Select); coding-DNA position 449, one base deleted (T; older notation c.449delT).
Protein change: p.Phe150fs; shifts the reading frame from phenylalanine 150.
Molecular consequence: frameshift variant.
Genome position (GRCh38, 1-based): chr17:31,163,346, T deleted; the last of 2 consecutive T bases (chr17:31,163,345-31,163,346); deleting either gives the same sequence. VCF-style (leftmost placement, unchanged base first): chr17-31163344-CT-C. GRCh37 (hg19) VCF-style: chr17-29490362-CT-C.
Other names: c.449delT (NM_000267.3); c.449delT, p.Phe150Serfs (NM_000267.4); c.449del, p.Phe150fs (NM_001128147.3); short protein forms F150fs.
Identifiers: ClinVar variation 574327 (VCV000574327.6), dbSNP rs1567817974, ClinGen allele CA891843774.

ClinVar aggregate classification (germline): Pathogenic/Likely pathogenic. Review status: criteria provided, multiple submitters, no conflicts (2 of 4 stars). 2 submissions from 2 submitters: Pathogenic (1); Likely pathogenic (1). Last evaluated 2023-09-08.

Conditions:
Neurofibromatosis, type 1 (NF1). Also called: Peripheral type neurofibromatosis; VON RECKLINGHAUSEN DISEASE; Neurofibromatosis, type I; NEUROFIBROMATOSIS, TYPE I, SOMATIC. Identifiers: Orphanet 636, MedGen C0027831, MONDO:0018975, OMIM 162200. Disease mechanism: loss of function.
Juvenile myelomonocytic leukemia (JMML). Also called: LEUKEMIA, JUVENILE MYELOMONOCYTIC, SOMATIC. Identifiers: Orphanet 86834, MedGen C0349639, MONDO:0011908, OMIM 607785, HP:0012209.

Submissions (2):

Baylor Genetics
Classification: Likely pathogenic for Juvenile myelomonocytic leukemia. Last evaluated: 2023-09-08. Review status: criteria provided, single submitter. Criteria: ACMG Guidelines, 2015. Collection method: clinical testing. Allele origin: unknown.

Labcorp Genetics (formerly Invitae), Labcorp
Classification: Pathogenic for Neurofibromatosis, type 1. Last evaluated: 2021-12-05. Review status: criteria provided, single submitter. Criteria: Invitae Variant Classification Sherloc (09022015). Collection method: clinical testing. Allele origin: germline.
Comment: This sequence change creates a premature translational stop signal (p.Phe150Serfs*15) in the NF1 gene. It is expected to result in an absent or disrupted protein product. Loss-of-function variants in NF1 are known to be pathogenic (PMID: 10712197, 23913538). This variant is not present in population databases (gnomAD no frequency). This variant has not been reported in the literature in individuals affected with NF1-related conditions. ClinVar contains an entry for this variant (Variation ID: 574327). For these reasons, this variant has been classified as Pathogenic.

Literature cited by the submitters: PubMed 10712197 (cited by Labcorp Genetics (formerly Invitae), Labcorp); PubMed 23913538 (cited by Labcorp Genetics (formerly Invitae), Labcorp).